The following is an entry in ClinVar:

ClinVar aggregate classification (germline): Uncertain significance (1 of 4 stars; one submission).

Conditions:
Cardiomyopathy (CMYO). Also called: Cardiomyopathies. Identifiers: Orphanet 167848, MedGen C0878544, MONDO:0004994, HP:0001638. Inheritance: Various modes of inheritance.

Submission:

Color Diagnostics, LLC DBA Color Health
Classification: Uncertain significance for Cardiomyopathy. Last evaluated: 2019-11-26. Review status: criteria provided, single submitter. Criteria: ACMG Guidelines, 2015. Collection method: clinical testing. Allele origin: germline.
Comment: This missense variant replaces asparagine with histidine at codon 12 of the DSP protein. Computational prediction suggests that this variant may not impact protein structure and function (internally defined REVEL score threshold <= 0.5, PMID: 27666373). Splice site prediction tools suggest that this variant may not impact RNA splicing. To our knowledge, functional studies have not been performed for this variant. This variant has not been reported in individuals affected with cardiovascular disorders in the literature. This variant has not been identified in the general population by the Genome Aggregation Database (gnomAD). The available evidence is insufficient to determine the role of this variant in disease conclusively. Therefore, this variant is classified as a Variant of Uncertain Significance.

NM_004415.4(DSP):c.34A>C (p.Asn12His)

Genes: DSP (desmoplakin; plus strand), DSP-AS1 (DSP antisense RNA 1; minus strand). Cytogenetic location: 6p24.3.
Variant type: single nucleotide variant.
Coding change: c.34A>C on transcript NM_004415.4 (MANE Select); coding-DNA position 34, A replaced by C.
Protein change: p.Asn12His; replaces asparagine 12 with histidine.
Molecular consequence: missense variant.
Genome position (GRCh38, 1-based): chr6:7,541,949, A>C. VCF-style: chr6-7541949-A-C. GRCh37 (hg19) VCF-style: chr6-7542182-A-C.
Other names: c.34A>C, p.Asn12His (NM_001008844.3, NM_001319034.2); short protein forms N12H.
Identifiers: ClinVar variation 918438 (VCV000918438.3), dbSNP rs1757990554, ClinGen allele CA362675529.